The following is an entry in ClinVar:

ClinVar aggregate classification (germline): Pathogenic (1 of 4 stars; one submission).

Conditions:
Spastic paraplegia. Identifiers: MedGen C0037772, HP:0001258.

Allele frequency attached by ClinVar (database versions not stated): gnomAD exomes below 0.00001.
gnomAD v4.1: 3 of 1,613,958 alleles (0.00019%); highest among the groups gnomAD compares: South Asian, 0.0033%; no homozygotes.

Submission:

Labcorp Genetics (formerly Invitae), Labcorp
Classification: Pathogenic for Spastic paraplegia. Last evaluated: 2023-04-17. Review status: criteria provided, single submitter. Criteria: Invitae Variant Classification Sherloc (09022015). Collection method: clinical testing. Allele origin: germline.
Comment: For these reasons, this variant has been classified as Pathogenic. Algorithms developed to predict the effect of sequence changes on RNA splicing suggest that this variant may disrupt the consensus splice site. ClinVar contains an entry for this variant (Variation ID: 1941870). Disruption of this splice site has been observed in individuals with hereditary spastic paraplegia (PMID: 21462267; Invitae). It has also been observed to segregate with disease in related individuals. This variant is present in population databases (no rsID available, gnomAD 0.003%). This sequence change affects a donor splice site in intron 29 of the ZFYVE26 gene. It is expected to disrupt RNA splicing. Variants that disrupt the donor or acceptor splice site typically lead to a loss of protein function (PMID: 16199547), and loss-of-function variants in ZFYVE26 are known to be pathogenic (PMID: 18394578, 19805727).

Literature cited by the submitters: PubMed 21462267; PubMed 16199547; PubMed 18394578; PubMed 19805727.

NM_015346.4(ZFYVE26):c.5621+1G>A

Gene: ZFYVE26 (zinc finger FYVE-type containing 26; minus strand). Cytogenetic location: 14q24.1.
Variant type: single nucleotide variant.
Coding change: c.5621+1G>A on transcript NM_015346.4 (MANE Select); the canonical splice donor site of the intron after coding-DNA position 5621, G replaced by A.
Molecular consequence: splice donor variant.
Genome position (GRCh38, 1-based): chr14:67,769,593, C>T on the plus strand (G>A on the coding strand, the complement: ZFYVE26 is on the minus strand). VCF-style: chr14-67769593-C-T. GRCh37 (hg19) VCF-style: chr14-68236310-C-T.
Identifiers: ClinVar variation 1941870 (VCV001941870.6), dbSNP rs1414256228, ClinGen allele CA390166889.
Genomic context (GRCh38, chr14:67,769,593, plus strand): 5'-AGGGACCTGCGGAAGGGTGCAGCGGTCAATAATAGCAACAGCCCTGCTGTAGGACACTCA[C>T]TCTTTGTTGCAGTAACTATAGCACTGATCACACACACGAGCAGGGTTCTCTCTGCAGCCT-3'